The following is an entry in ClinVar:

ClinVar aggregate classification (germline): Uncertain significance (1 of 4 stars; one submission).

gnomAD v4.1: 16 of 1,613,688 alleles (0.00099%); highest among the groups gnomAD compares: Admixed American, 0.0033%; no homozygotes.

Submission:

Labcorp Genetics (formerly Invitae), Labcorp
Classification: Uncertain significance. Last evaluated: 2024-07-31. Review status: criteria provided, single submitter. Criteria: Invitae Variant Classification Sherloc (09022015). Collection method: clinical testing. Allele origin: germline.
Comment: This sequence change replaces tryptophan, which is neutral and slightly polar, with leucine, which is neutral and non-polar, at codon 856 of the TOP2B protein (p.Trp856Leu). This variant is present in population databases (rs757437706, gnomAD no frequency). This variant has not been reported in the literature in individuals affected with TOP2B-related conditions. An algorithm developed to predict the effect of missense changes on protein structure and function (PolyPhen-2) suggests that this variant is likely to be disruptive. In summary, the available evidence is currently insufficient to determine the role of this variant in disease. Therefore, it has been classified as a Variant of Uncertain Significance.

NM_001330700.2(TOP2B):c.2582G>T (p.Trp861Leu)

Gene: TOP2B (DNA topoisomerase II beta; minus strand). Cytogenetic location: 3p24.2.
Variant type: single nucleotide variant.
Coding change: c.2582G>T on transcript NM_001330700.2 (MANE Select); coding-DNA position 2582, G replaced by T.
Protein change: p.Trp861Leu; replaces tryptophan 861 with leucine.
Molecular consequence: missense variant.
Genome position (GRCh38, 1-based): chr3:25,623,660, C>A on the plus strand (G>T on the coding strand, the complement: TOP2B is on the minus strand). VCF-style: chr3-25623660-C-A. GRCh37 (hg19) VCF-style: chr3-25665151-C-A.
Other names: c.2567G>T, p.Trp856Leu (NM_001068.3); short protein forms W856L, W861L.
Identifiers: ClinVar variation 3715249 (VCV003715249.2).